The following is an entry in ClinVar:

ClinVar aggregate classification (germline): Uncertain significance. Review status: criteria provided, multiple submitters, no conflicts (2 of 4 stars). 2 submissions from 2 submitters: Uncertain significance (2). Last evaluated 2025-08-28.

Conditions:
Inborn genetic diseases. Identifiers: MedGen C0950123, MeSH D030342.

gnomAD v4.1: 4 of 1,614,028 alleles (0.00025%); highest among the groups gnomAD compares: Admixed American, 0.0017%; no homozygotes.

Submissions (2):

Ambry Genetics
Classification: Uncertain significance for Inborn genetic diseases. Last evaluated: 2025-08-28. Review status: criteria provided, single submitter. Criteria: Ambry Variant Classification Scheme 2023. Collection method: clinical testing. Allele origin: germline.

GeneDx
Classification: Uncertain significance. Last evaluated: 2024-09-27. Review status: criteria provided, single submitter. Criteria: GeneDx Variant Classification Process June 2021. Collection method: clinical testing. Allele origin: germline. Affected: yes.
Comment: Not observed at significant frequency in large population cohorts (gnomAD); In silico analysis indicates that this missense variant does not alter protein structure/function; Has not been previously published as pathogenic or benign to our knowledge

NM_005245.4(FAT1):c.1075C>G (p.Gln359Glu)

Gene: FAT1 (FAT atypical cadherin 1; minus strand). Cytogenetic location: 4q35.2.
Variant type: single nucleotide variant.
Coding change: c.1075C>G on transcript NM_005245.4 (MANE Select); coding-DNA position 1075, C replaced by G.
Protein change: p.Gln359Glu; replaces glutamine 359 with glutamic acid.
Molecular consequence: missense variant.
Genome position (GRCh38, 1-based): chr4:186,708,753, G>C on the plus strand (C>G on the coding strand, the complement: FAT1 is on the minus strand). VCF-style: chr4-186708753-G-C. GRCh37 (hg19) VCF-style: chr4-187629907-G-C.
Other names: short protein forms Q359E.
Identifiers: ClinVar variation 3774716 (VCV003774716.2).